The following is an entry in ClinVar:

NM_015662.3(IFT172):c.4100C>T (p.Ala1367Val)

Gene: IFT172 (intraflagellar transport 172; minus strand). Cytogenetic location: 2p23.3.
Variant type: single nucleotide variant.
Coding change: c.4100C>T on transcript NM_015662.3 (MANE Select); coding-DNA position 4100, C replaced by T.
Protein change: p.Ala1367Val; replaces alanine 1367 with valine.
Molecular consequence: missense variant.
Genome position (GRCh38, 1-based): chr2:27,449,751, G>A on the plus strand (C>T on the coding strand, the complement: IFT172 is on the minus strand). VCF-style: chr2-27449751-G-A. GRCh37 (hg19) VCF-style: chr2-27672618-G-A.
Other names: c.4034C>T, p.Ala1345Val (NM_001410739.1); short protein forms A1367V, A1345V.
Identifiers: ClinVar variation 4982328 (VCV004982328.1).
Genomic context (GRCh38, chr2:27,449,751, plus strand): 5'-CTGGGATCTAACTCCTTAGCTACACGCTTCGCCTTGTTCCACTCCTCACCCTCGATGAAA[G>A]CATCGATTGCTTCCTTGACAAGGTCCAGATTCAGATAGAGCTCTGCAGCCTGCACAGTGG-3'
Protein context (NP_056477.1, residues 1357-1377): NLDLVKEAID[Ala1367Val]FIEGEEWNKA

ClinVar aggregate classification (germline): Uncertain significance (1 of 4 stars; one submission).

Conditions:
IFT172-related disorder. Also called: IFT172-related disorders; IFT172-related condition.

Submission:

PreventionGenetics, part of Exact Sciences
Classification: Uncertain significance for IFT172-related condition. Last evaluated: 2025-08-27. Review status: criteria provided, single submitter. Criteria: ACMG Guidelines, 2015. Collection method: clinical testing. Allele origin: germline.
Comment: The IFT172 c.4100C>T variant is predicted to result in the amino acid substitution p.Ala1367Val. To our knowledge, this variant has not been reported in the literature. This variant is reported in 0.00088% of alleles in individuals of European (Non-Finnish) descent in gnomAD. At this time, the clinical significance of this variant is uncertain due to the absence of conclusive functional and genetic evidence.